The following is an entry in ClinVar:

NM_007327.4(GRIN1):c.362T>C (p.Leu121Pro)

Gene: GRIN1 (glutamate ionotropic receptor NMDA type subunit 1; plus strand). Cytogenetic location: 9q34.3.
Variant type: single nucleotide variant.
Coding change: c.362T>C on transcript NM_007327.4 (MANE Select); coding-DNA position 362, T replaced by C.
Protein change: p.Leu121Pro; replaces leucine 121 with proline.
Molecular consequence: missense variant.
Genome position (GRCh38, 1-based): chr9:137,142,116, T>C. VCF-style: chr9-137142116-T-C. GRCh37 (hg19) VCF-style: chr9-140036568-T-C.
Other names: c.362T>C, p.Leu121Pro (NM_000832.7, NM_001185090.2, NM_001185091.2 and 1 more transcripts); short protein forms L121P.
Identifiers: ClinVar variation 1809909 (VCV001809909.2), dbSNP rs2538516794, ClinGen allele CA375713724.

ClinVar aggregate classification (germline): Uncertain significance (1 of 4 stars; one submission).

Allele frequency attached by ClinVar (database versions not stated): gnomAD exomes below 0.00001.
gnomAD v4.1: 2 of 1,614,218 alleles (0.00012%); highest among the groups gnomAD compares: Non-Finnish European, 0.00017%; no homozygotes.

Submission:

GeneDx
Classification: Uncertain significance. Last evaluated: 2024-03-07. Review status: criteria provided, single submitter. Criteria: GeneDx Variant Classification Process June 2021. Collection method: clinical testing. Allele origin: germline. Affected: yes.
Comment: Not observed at significant frequency in large population cohorts (gnomAD); In silico analysis supports that this missense variant has a deleterious effect on protein structure/function; Has not been previously published as pathogenic or benign to our knowledge